The following is an entry in ClinVar:

ClinVar aggregate classification (germline): Benign/Likely benign. Review status: criteria provided, multiple submitters, no conflicts (2 of 4 stars). 5 submissions from 5 submitters: Benign (2); Likely benign (2). 1 of the submissions does not count toward it. Last evaluated 2026-01-18.

Conditions:
Charcot-Marie-Tooth disease axonal type 2C (HMSN2C). Also called: Charcot-Marie-Tooth Disease Type 2, TRPV4-Related (CMT2C); CHARCOT-MARIE-TOOTH DISEASE, AXONAL, AUTOSOMAL DOMINANT, TYPE 2C; Charcot-Marie-Tooth Neuropathy Type 2C. Identifiers: Orphanet 99937, MedGen C1853710, MONDO:0011633, OMIM 606071.
TRPV4-related disorder. Also called: TRPV4-related disorders; TRPV4-related condition.
Inborn genetic diseases. Identifiers: MedGen C0950123, MeSH D030342.

Allele frequency attached by ClinVar (database versions not stated): ESP Exome Variant Server 0.00069; TOPMed 0.00086; 1000 Genomes Project 30x 0.00094; 1000 Genomes Project 0.00100.
gnomAD v4.1: 240 of 1,613,684 alleles (0.015%); highest among the groups gnomAD compares: African/African-American, 0.26%; 1 homozygote.

Submissions (5):

Labcorp Genetics (formerly Invitae), Labcorp
Classification: Likely benign for Charcot-Marie-Tooth disease axonal type 2C. Last evaluated: 2026-01-18. Review status: criteria provided, single submitter. Criteria: Invitae Variant Classification Sherloc (09022015). Collection method: clinical testing. Allele origin: germline.

Ambry Genetics
Classification: Likely benign for Inborn genetic diseases. Last evaluated: 2020-03-20. Review status: criteria provided, single submitter. Criteria: Ambry Variant Classification Scheme 2023. Collection method: clinical testing. Allele origin: germline.

GeneDx
Classification: Benign. Last evaluated: 2019-12-04. Review status: criteria provided, single submitter. Criteria: GeneDx Variant Classification Process June 2021. Collection method: clinical testing. Allele origin: germline. Affected: yes.

Athena Diagnostics
Classification: Benign. Last evaluated: 2017-07-31. Review status: criteria provided, single submitter. Criteria: Athena Diagnostics Criteria. Collection method: clinical testing. Allele origin: germline.

PreventionGenetics, part of Exact Sciences
Classification: Likely benign for TRPV4-related condition. Last evaluated: 2020-05-15. Review status: no assertion criteria provided. Collection method: clinical testing. Allele origin: germline. Not counted in ClinVar's aggregate classification.
Comment: This variant is classified as likely benign based on ACMG/AMP sequence variant interpretation guidelines (Richards et al. 2015 PMID: 25741868, with internal and published modifications).

NM_021625.5(TRPV4):c.1337G>T (p.Arg446Leu)

Gene: TRPV4 (transient receptor potential cation channel subfamily V member 4; minus strand). Cytogenetic location: 12q24.11.
Variant type: single nucleotide variant.
Coding change: c.1337G>T on transcript NM_021625.5 (MANE Select); coding-DNA position 1337, G replaced by T.
Protein change: p.Arg446Leu; replaces arginine 446 with leucine.
Molecular consequence: missense variant.
Genome position (GRCh38, 1-based): chr12:109,794,483, C>A on the plus strand (G>T on the coding strand, the complement: TRPV4 is on the minus strand). VCF-style: chr12-109794483-C-A. GRCh37 (hg19) VCF-style: chr12-110232288-C-A.
Other names: c.1196G>T, p.Arg399Leu (NM_001177428.2); c.1235G>T, p.Arg412Leu (NM_001177431.2); c.1016G>T, p.Arg339Leu (NM_001177433.2); c.1157G>T, p.Arg386Leu (NM_147204.3); short protein forms R446L, R386L, R412L, R339L, R399L.
Identifiers: ClinVar variation 448707 (VCV000448707.17), dbSNP rs143502097, ClinGen allele CA6780264.
Genomic context (GRCh38, chr12:109,794,483, plus strand): 5'-AACTTGCGCCACTTGTCCCGCAGCAGTTCATTGATGGGCTCCACAGCCAGCATCTCGTGG[C>A]GGTTCTAAGAGAGGCAGGGTGGTCGGGGGCTGCCTTCCTGAGATGGGTGGGGGGTCCAGG-3'
Protein context (NP_067638.3, residues 436-456): ILVYNSKIEN[Arg446Leu]HEMLAVEPIN